The following is an entry in ClinVar:

NM_031483.7(ITCH):c.2040A>G (p.Lys680=)

Gene: ITCH (itchy E3 ubiquitin protein ligase; plus strand). Cytogenetic location: 20q11.22.
Variant type: single nucleotide variant.
Coding change: c.2040A>G on transcript NM_031483.7 (MANE Select); coding-DNA position 2040, A replaced by G.
Protein change: p.Lys680=; no amino-acid change (lysine 680 retained).
Molecular consequence: synonymous variant.
Genome position (GRCh38, 1-based): chr20:34,481,153, A>G. VCF-style: chr20-34481153-A-G. GRCh37 (hg19) VCF-style: chr20-33068958-A-G.
Other names: c.2163A>G, p.Lys721= (NM_001257137.3, NM_001324197.2); c.1710A>G, p.Lys570= (NM_001257138.3); c.2040A>G, p.Lys680= (NM_001324198.2).
Identifiers: ClinVar variation 3032919 (VCV003032919.3), dbSNP rs149046008, ClinGen allele CA313405323.

ClinVar aggregate classification (germline): Likely benign. Review status: criteria provided, single submitter (1 of 4 stars). 2 submissions from 2 submitters: Likely benign (1). 1 of the submissions does not count toward it. Last evaluated 2025-06-17.

Conditions:
ITCH-related disorder. Also called: ITCH-related condition.
Syndromic multisystem autoimmune disease due to ITCH deficiency. Also called: AUTOIMMUNE DISEASE, MULTISYSTEM, WITH FACIAL DYSMORPHISM. Identifiers: Orphanet 228426, MedGen C3150649, MONDO:0013245, OMIM 613385.

Allele frequency attached by ClinVar (database versions not stated): TOPMed below 0.00001; gnomAD 0.00001; gnomAD exomes 0.00001; ESP Exome Variant Server 0.00008.
gnomAD v4.1: 4 of 1,613,328 alleles (0.00025%); highest among the groups gnomAD compares: Admixed American, 0.0017%; no homozygotes.

Submissions (2):

Labcorp Genetics (formerly Invitae), Labcorp
Classification: Likely benign for Syndromic multisystem autoimmune disease due to ITCH deficiency. Last evaluated: 2025-06-17. Review status: criteria provided, single submitter. Criteria: Invitae Variant Classification Sherloc (09022015). Collection method: clinical testing. Allele origin: germline.

PreventionGenetics, part of Exact Sciences
Classification: Likely benign for ITCH-related condition. Last evaluated: 2023-06-08. Review status: no assertion criteria provided. Collection method: clinical testing. Allele origin: germline. Not counted in ClinVar's aggregate classification.
Comment: This variant is classified as likely benign based on ACMG/AMP sequence variant interpretation guidelines (Richards et al. 2015 PMID: 25741868, with internal and published modifications).